The following is an entry in ClinVar:

ClinVar aggregate classification (germline): Benign/Likely benign. Review status: criteria provided, multiple submitters, no conflicts (2 of 4 stars). 7 submissions from 7 submitters: Benign (1); Likely benign (5). 1 of the submissions does not count toward it. Last evaluated 2026-07-01.

Conditions:
KMT2B-related disorder. Also called: KMT2B-related condition; KMT2B-related disorders. Identifiers: MedGen CN381338.
Inborn genetic diseases. Identifiers: MedGen C0950123, MeSH D030342.

Allele frequency attached by ClinVar (database versions not stated): gnomAD exomes 0.00035 and 0.00077; ExAC 0.00134; ESP Exome Variant Server 0.00295; 1000 Genomes Project 0.00339; 1000 Genomes Project 30x 0.00406; gnomAD 0.00410 and 0.00442; TOPMed 0.00439.
gnomAD v4.1: 1,132 of 1,553,234 alleles (0.073%); highest among the groups gnomAD compares: African/African-American, 1.4%; 7 homozygotes.

Submissions (7):

CeGaT Center for Human Genetics Tuebingen
Classification: Likely benign. Last evaluated: 2026-07-01. Review status: criteria provided, single submitter. Criteria: CeGaT Center For Human Genetics Tuebingen Variant Classification Criteria Version 2. Collection method: clinical testing. Allele origin: germline. Affected: yes. Observed: 6 variant alleles.
Comment: KMT2B: BP4, BS1

Labcorp Genetics (formerly Invitae), Labcorp
Classification: Benign. Last evaluated: 2026-02-02. Review status: criteria provided, single submitter. Criteria: Invitae Variant Classification Sherloc (09022015). Collection method: clinical testing. Allele origin: germline.

Blueprint Genetics
Classification: Likely benign. Last evaluated: 2024-11-13. Review status: criteria provided, single submitter. Criteria: ACMG Guidelines, 2015. Collection method: clinical testing. Allele origin: germline.

GeneDx
Classification: Likely benign. Last evaluated: 2024-06-11. Review status: criteria provided, single submitter. Criteria: GeneDx Variant Classification Process June 2021. Collection method: clinical testing. Allele origin: germline. Affected: yes.
Comment: See Variant Classification Assertion Criteria.

Ambry Genetics
Classification: Likely benign for Inborn genetic diseases. Last evaluated: 2021-08-17. Review status: criteria provided, single submitter. Criteria: Ambry Variant Classification Scheme 2023. Collection method: clinical testing. Allele origin: germline.

Breakthrough Genomics
Classification: Likely benign. Review status: criteria provided, single submitter. Criteria: ACMG Guidelines, 2015. Collection method: not provided. Allele origin: germline. Inheritance: Autosomal dominant inheritance. Affected: yes.

PreventionGenetics, part of Exact Sciences
Classification: Benign for KMT2B-related condition. Last evaluated: 2019-03-25. Review status: no assertion criteria provided. Collection method: clinical testing. Allele origin: germline. Not counted in ClinVar's aggregate classification.
Comment: This variant is classified as benign based on ACMG/AMP sequence variant interpretation guidelines (Richards et al. 2015 PMID: 25741868, with internal and published modifications).

NM_014727.3(KMT2B):c.1096G>A (p.Glu366Lys)

Gene: KMT2B (lysine methyltransferase 2B; plus strand). Cytogenetic location: 19q13.12.
Variant type: single nucleotide variant.
Coding change: c.1096G>A on transcript NM_014727.3 (MANE Select); coding-DNA position 1096, G replaced by A.
Protein change: p.Glu366Lys; replaces glutamic acid 366 with lysine.
Molecular consequence: missense variant.
Genome position (GRCh38, 1-based): chr19:35,720,443, G>A. VCF-style: chr19-35720443-G-A. GRCh37 (hg19) VCF-style: chr19-36211345-G-A.
Other names: c.1096G>A (NM_014727.1); short protein forms E366K.
Identifiers: ClinVar variation 788617 (VCV000788617.39), dbSNP rs186777199, ClinGen allele CA9384177.